The following is an entry in ClinVar:

ClinVar aggregate classification (germline): Likely pathogenic (1 of 4 stars; one submission).

Conditions:
Coffin-Siris syndrome 1 (CSS1). Also called: ARID1B-Related Coffin-Siris Syndrome; Mental retardation, autosomal dominant 12. Identifiers: Orphanet 1465, MedGen C3281201, MONDO:0007617, OMIM 135900. Disease mechanism: gain of function.

Submission:

Dasa
Classification: Likely pathogenic for Coffin-Siris syndrome 1. Last evaluated: 2024-10-25. Review status: criteria provided, single submitter. Criteria: DASA Assertion Criteria. Collection method: clinical testing. Allele origin: germline.
Comment: NM_001374828.1(ARID1B):c.2136+1dup affects a canonical splice site and is predicted to disrupt normal RNA splicing. Loss of function is an established disease mechanism for ARID1B (PMID: 22426308; PMID: 21801163; PMID: 22405089). Also, this variant is absent from population databases. Based on the currently available evidence, this variant is classified as likely pathogenic.

Literature cited by the submitters: PubMed 22426308; PubMed 21801163; PubMed 22405089.

NM_001374828.1(ARID1B):c.2136+1dup

Gene: ARID1B (AT-rich interaction domain 1B; plus strand). Cytogenetic location: 6q25.3.
Variant type: Duplication.
Coding change: c.2136+1dup on transcript NM_001374828.1 (MANE Select); the canonical splice donor site of the intron after coding-DNA position 2136, one base duplicated (G; older notation c.2136+1dupG).
Molecular consequence: splice donor variant.
Genome position (GRCh38, 1-based): chr6:156,901,526, G duplicated; the last of 2 consecutive G bases (chr6:156,901,525-156,901,526); duplicating either gives the same sequence. VCF-style (leftmost placement, unchanged base first): chr6-156901524-A-AG. GRCh37 (hg19) VCF-style: chr6-157222658-A-AG.
Other names: c.2175+1dup (NM_001371656.1, NM_001374820.1); c.2136+1dup (NM_001438483.1, NM_001438486.1, NM_001438482.1 and 7 more transcripts).
Identifiers: ClinVar variation 4884253 (VCV004884253.2).
Genomic context (GRCh38, chr6:156,901,524, plus strand): 5'-ACCTCCCACCCCAGGCGCAGTATCTGCCGTCCCAGTCCCAGCAGAGGTACCAGCCGCAGC[A>AG]GGTGAGCACAGTGCACTGCCCCGCAGGGCCCTGTTTTCTCCACCAAGGCAGACCCGGCTC-3'